The following is an entry in ClinVar:

NM_005199.5(CHRNG):c.1292_1311del (p.Leu431fs)

Genes: CHRNG (cholinergic receptor nicotinic gamma subunit; plus strand), TIGD1 (tigger transposable element derived 1; minus strand). Cytogenetic location: 2q37.1.
Variant type: Deletion.
Coding change: c.1292_1311del on transcript NM_005199.5 (MANE Select); coding-DNA positions 1292 to 1311, 20 bases deleted (TGAAGCAGGCTGCCCCAGCC).
Protein change: p.Leu431fs; shifts the reading frame from leucine 431.
Molecular consequence: frameshift variant. On other transcripts: 3 prime UTR variant (1).
Genome position (GRCh38, 1-based): chr2:232,544,814-232,544,833, TGAAGCAGGCTGCCCCAGCC deleted; deleting any 20 consecutive bases within chr2:232,544,809-232,544,833 gives the same sequence; the c. name uses the placement nearest the transcript's 3' end. VCF-style (leftmost placement, unchanged base first): chr2-232544808-GCAGCCTGAAGCAGGCTGCCC-G. GRCh37 (hg19) VCF-style: chr2-233409518-GCAGCCTGAAGCAGGCTGCCC-G.
Other names: c.*3279_*3298del (NM_145702.4); short protein forms L431fs.
Identifiers: ClinVar variation 2769351 (VCV002769351.3), dbSNP rs2469755516, ClinGen allele CA2697550589.

ClinVar aggregate classification (germline): Pathogenic (1 of 4 stars; one submission).

Submission:

Labcorp Genetics (formerly Invitae), Labcorp
Classification: Pathogenic. Last evaluated: 2023-10-17. Review status: criteria provided, single submitter. Criteria: Invitae Variant Classification Sherloc (09022015). Collection method: clinical testing. Allele origin: germline.
Comment: This sequence change creates a premature translational stop signal (p.Leu431Hisfs*22) in the CHRNG gene. While this is not anticipated to result in nonsense mediated decay, it is expected to disrupt the last 87 amino acid(s) of the CHRNG protein. This variant is not present in population databases (gnomAD no frequency). This premature translational stop signal has been observed in individual(s) with multiple pterygium syndrome (PMID: 22167768). This variant disrupts a region of the CHRNG protein in which other variant(s) (p.R470*) have been determined to be pathogenic (PMID: 16826520). This suggests that this is a clinically significant region of the protein, and that variants that disrupt it are likely to be disease-causing. For these reasons, this variant has been classified as Pathogenic.

Literature cited by the submitters: PubMed 22167768; PubMed 16826520.